The following is an entry in ClinVar:

NM_001079866.2(BCS1L):c.-49-327C>T

Gene: BCS1L (BCS1 homolog, ubiquinol-cytochrome c reductase complex chaperone; plus strand). Cytogenetic location: 2q35.
Variant type: single nucleotide variant.
Coding change: c.-49-327C>T on transcript NM_001079866.2 (MANE Select); 327 bases into the intron before 49 bases upstream of the start codon, C replaced by T.
Molecular consequence: intron variant. On other transcripts: 5 prime UTR variant (5), non-coding transcript variant (1).
Genome position (GRCh38, 1-based): chr2:218,660,612, C>T. VCF-style: chr2-218660612-C-T. GRCh37 (hg19) VCF-style: chr2-219525335-C-T.
Other names: c.-186C>T (NM_001371446.1); c.-177C>T (NM_001371451.1); c.-852C>T (NM_001371453.1, NM_001374086.1); c.-376C>T (NM_001374085.1); c.-50+191C>T (NM_001371450.1, NM_001371448.1, NM_001320717.2 and 3 more transcripts); c.-526+191C>T (NM_001371454.1); c.-49-327C>T (NM_001257344.2, NM_004328.5, NM_001257343.2 and 1 more transcripts); c.-525-327C>T (NM_001371456.1, NM_001371455.1); and 3 more.
Identifiers: ClinVar variation 669695 (VCV000669695.2), dbSNP rs3770218, ClinGen allele CA11138313.

ClinVar aggregate classification (germline): Benign. Review status: criteria provided, multiple submitters, no conflicts (2 of 4 stars). 2 submissions from 2 submitters: Benign (2). Last evaluated 2018-06-14.

Allele frequency attached by ClinVar (database versions not stated): TOPMed 0.44874; gnomAD 0.44957 and 0.46494; 1000 Genomes Project 30x 0.50547; 1000 Genomes Project 0.51757; gnomAD exomes 0.57803.

Submissions (2):

GeneDx
Classification: Benign. Last evaluated: 2018-06-14. Review status: criteria provided, single submitter. Criteria: GeneDx Variant Classification (06012015). Collection method: clinical testing. Allele origin: germline. Affected: yes.
Comment: This variant is considered likely benign or benign based on one or more of the following criteria: it is a conservative change, it occurs at a poorly conserved position in the protein, it is predicted to be benign by multiple in silico algorithms, and/or has population frequency not consistent with disease.

Breakthrough Genomics
Classification: Benign. Review status: criteria provided, single submitter. Criteria: ACMG Guidelines, 2015. Collection method: not provided. Allele origin: germline. Inheritance: Autosomal recessive inheritance. Affected: yes.